The following is an entry in ClinVar:

ClinVar aggregate classification (germline): Uncertain significance (1 of 4 stars; one submission).

Conditions:
Familial cancer of breast. Also called: Hereditary breast cancer; hereditary breast carcinoma; BREAST CANCER, FAMILIAL. Identifiers: Orphanet 227535, MedGen C0346153, MONDO:0016419, OMIM 114480. Disease mechanism: loss of function.

Allele frequency attached by ClinVar (database versions not stated): gnomAD exomes below 0.00001.

Submission:

Labcorp Genetics (formerly Invitae), Labcorp
Classification: Uncertain significance for Familial cancer of breast. Last evaluated: 2025-12-17. Review status: criteria provided, single submitter. Criteria: Invitae Variant Classification Sherloc (09022015). Collection method: clinical testing. Allele origin: germline.
Comment: This sequence change replaces glutamine, which is neutral and polar, with arginine, which is basic and polar, at codon 790 of the PALB2 protein (p.Gln790Arg). This variant is not present in population databases (gnomAD no frequency). This variant has not been reported in the literature in individuals affected with PALB2-related conditions. ClinVar contains an entry for this variant (Variation ID: 946864). Invitae Evidence Modeling of protein sequence and biophysical properties (such as structural, functional, and spatial information, amino acid conservation, physicochemical variation, residue mobility, and thermodynamic stability) indicates that this missense variant is not expected to disrupt PALB2 protein function with a negative predictive value of 80%. In summary, the available evidence is currently insufficient to determine the role of this variant in disease. Therefore, it has been classified as a Variant of Uncertain Significance.

NM_024675.4(PALB2):c.2369A>G (p.Gln790Arg)

Gene: PALB2 (partner and localizer of BRCA2; minus strand). Cytogenetic location: 16p12.2.
Variant type: single nucleotide variant.
Coding change: c.2369A>G on transcript NM_024675.4 (MANE Select); coding-DNA position 2369, A replaced by G.
Protein change: p.Gln790Arg; replaces glutamine 790 with arginine.
Molecular consequence: missense variant.
Genome position (GRCh38, 1-based): chr16:23,629,785, T>C on the plus strand (A>G on the coding strand, the complement: PALB2 is on the minus strand). VCF-style: chr16-23629785-T-C. GRCh37 (hg19) VCF-style: chr16-23641106-T-C.
Other names: short protein forms Q790R.
Identifiers: ClinVar variation 946864 (VCV000946864.10), dbSNP rs1966856999, ClinGen allele CA395124735.